The following is an entry in ClinVar:

ClinVar aggregate classification (germline): Benign/Likely benign. Review status: criteria provided, multiple submitters, no conflicts (2 of 4 stars). 3 submissions from 3 submitters: Benign (1); Likely benign (2). Last evaluated 2026-02-01.

Conditions:
Inborn genetic diseases. Identifiers: MedGen C0950123, MeSH D030342.

Allele frequency attached by ClinVar (database versions not stated): ExAC 0.00002; gnomAD exomes 0.00002; TOPMed 0.00004; gnomAD 0.00006.
gnomAD v4.1: 39 of 1,613,898 alleles (0.0024%); highest among the groups gnomAD compares: Middle Eastern, 0.016%; no homozygotes.

Submissions (3):

CeGaT Center for Human Genetics Tuebingen
Classification: Likely benign. Last evaluated: 2026-02-01. Review status: criteria provided, single submitter. Criteria: CeGaT Center For Human Genetics Tuebingen Variant Classification Criteria Version 2. Collection method: clinical testing. Allele origin: germline. Affected: yes. Observed: 1 variant allele.
Comment: SMARCA2: BP4

Labcorp Genetics (formerly Invitae), Labcorp
Classification: Likely benign. Last evaluated: 2025-05-05. Review status: criteria provided, single submitter. Criteria: Invitae Variant Classification Sherloc (09022015). Collection method: clinical testing. Allele origin: germline.

Ambry Genetics
Classification: Benign for Inborn genetic diseases. Last evaluated: 2019-09-10. Review status: criteria provided, single submitter. Criteria: Ambry Variant Classification Scheme 2023. Collection method: clinical testing. Allele origin: germline.

NM_003070.5(SMARCA2):c.4200-5C>T

Gene: SMARCA2 (SWI/SNF related BAF chromatin remodeling complex subunit ATPase 2; plus strand). Cytogenetic location: 9p24.3.
Variant type: single nucleotide variant.
Coding change: c.4200-5C>T on transcript NM_003070.5 (MANE Select); 5 bases into the intron before coding-DNA position 4200, C replaced by T.
Molecular consequence: intron variant.
Genome position (GRCh38, 1-based): chr9:2,170,414, C>T. VCF-style: chr9-2170414-C-T. GRCh37 (hg19) VCF-style: chr9-2170414-C-T.
Other names: c.4199+8511C>T (NM_139045.4); c.4025+8511C>T (NM_001289397.2); c.4200-5C>T (NM_001289396.2); c.227+8511C>T (NM_001289398.2); c.317+8511C>T (NM_001289400.2); c.311+8511C>T (NM_001289399.2).
Identifiers: ClinVar variation 1738656 (VCV001738656.9), dbSNP rs375293068, ClinGen allele CA4964055.